The following is an entry in ClinVar:

ClinVar aggregate classification (germline): Uncertain significance (1 of 4 stars; one submission).

Conditions:
Ataxia-telangiectasia syndrome (AT). Also called: ATAXIA-TELANGIECTASIA, COMPLEMENTATION GROUP A; ATAXIA-TELANGIECTASIA, FRESNO VARIANT; Ataxia-telangiectasia; Ataxia-telangiectasia, complementation group E; LOUIS-BAR SYNDROME; Cerebello-oculocutaneous telangiectasia. Identifiers: Orphanet 100, MedGen C0004135, MONDO:0008840, OMIM 208900.

Submission:

Labcorp Genetics (formerly Invitae), Labcorp
Classification: Uncertain significance for Ataxia-telangiectasia syndrome. Last evaluated: 2023-04-08. Review status: criteria provided, single submitter. Criteria: Invitae Variant Classification Sherloc (09022015). Collection method: clinical testing. Allele origin: germline.
Comment: In summary, the available evidence is currently insufficient to determine the role of this variant in disease. Therefore, it has been classified as a Variant of Uncertain Significance. An algorithm developed to predict the effect of missense changes on protein structure and function (PolyPhen-2) suggests that this variant is likely to be disruptive. This variant has not been reported in the literature in individuals affected with ATM-related conditions. This variant is not present in population databases (gnomAD no frequency). This sequence change replaces alanine, which is neutral and non-polar, with valine, which is neutral and non-polar, at codon 2967 of the ATM protein (p.Ala2967Val).

NM_000051.4(ATM):c.8900C>T (p.Ala2967Val)

Genes: ATM (ATM serine/threonine kinase; plus strand), C11orf65 (chromosome 11 open reading frame 65; minus strand). Cytogenetic location: 11q22.3.
Variant type: single nucleotide variant.
Coding change: c.8900C>T on transcript NM_000051.4 (MANE Select); coding-DNA position 8900, C replaced by T.
Protein change: p.Ala2967Val; replaces alanine 2967 with valine.
Molecular consequence: missense variant. On other transcripts: intron variant (2).
Genome position (GRCh38, 1-based): chr11:108,365,131, C>T. VCF-style: chr11-108365131-C-T. GRCh37 (hg19) VCF-style: chr11-108235858-C-T.
Other names: c.8900C>T, p.Ala2967Val (NM_001351834.2); c.640+20789G>A (NM_001330368.2); c.694+20789G>A (NM_001351110.2); short protein forms A2967V.
Identifiers: ClinVar variation 2883098 (VCV002883098.3), dbSNP rs2137876366, ClinGen allele CA382529812.